The following is an entry in ClinVar:

ClinVar aggregate classification (germline): Uncertain significance (1 of 4 stars; one submission).

Allele frequency attached by ClinVar (database versions not stated): gnomAD 0.00006 and 0.00007; TOPMed 0.00008; ESP Exome Variant Server 0.00015.
gnomAD v4.1: 17 of 1,577,088 alleles (0.0011%); highest among the groups gnomAD compares: African/African-American, 0.018%; no homozygotes.

Submission:

Labcorp Genetics (formerly Invitae), Labcorp
Classification: Uncertain significance. Last evaluated: 2024-12-11. Review status: criteria provided, single submitter. Criteria: Invitae Variant Classification Sherloc (09022015). Collection method: clinical testing. Allele origin: germline.
Comment: This sequence change replaces proline, which is neutral and non-polar, with serine, which is neutral and polar, at codon 1352 of the TUBGCP6 protein (p.Pro1352Ser). This variant is present in population databases (rs146117828, gnomAD 0.03%). This variant has not been reported in the literature in individuals affected with TUBGCP6-related conditions. ClinVar contains an entry for this variant (Variation ID: 963832). An algorithm developed to predict the effect of missense changes on protein structure and function outputs the following: PolyPhen-2: "Benign". The serine amino acid residue is found in multiple mammalian species, which suggests that this missense change does not adversely affect protein function. In summary, the available evidence is currently insufficient to determine the role of this variant in disease. Therefore, it has been classified as a Variant of Uncertain Significance.

NM_020461.4(TUBGCP6):c.4054C>T (p.Pro1352Ser)

Gene: TUBGCP6 (tubulin gamma complex component 6; minus strand). Cytogenetic location: 22q13.33.
Variant type: single nucleotide variant.
Coding change: c.4054C>T on transcript NM_020461.4 (MANE Select); coding-DNA position 4054, C replaced by T.
Protein change: p.Pro1352Ser; replaces proline 1352 with serine.
Molecular consequence: missense variant.
Genome position (GRCh38, 1-based): chr22:50,220,305, G>A on the plus strand (C>T on the coding strand, the complement: TUBGCP6 is on the minus strand). VCF-style: chr22-50220305-G-A. GRCh37 (hg19) VCF-style: chr22-50658734-G-A.
Other names: short protein forms P1352S.
Identifiers: ClinVar variation 963832 (VCV000963832.8), dbSNP rs146117828, ClinGen allele CA10307741.